The following is an entry in ClinVar:

NM_003001.5(SDHC):c.35A>G (p.His12Arg)

Gene: SDHC (succinate dehydrogenase complex subunit C; plus strand). Cytogenetic location: 1q23.3.
Variant type: single nucleotide variant.
Coding change: c.35A>G on transcript NM_003001.5 (MANE Select); coding-DNA position 35, A replaced by G.
Protein change: p.His12Arg; replaces histidine 12 with arginine.
Molecular consequence: missense variant. On other transcripts: 5 prime UTR variant (2), non-coding transcript variant (1), intron variant (4).
Genome position (GRCh38, 1-based): chr1:161,323,628, A>G. VCF-style: chr1-161323628-A-G. GRCh37 (hg19) VCF-style: chr1-161293418-A-G.
Other names: c.35A>G, p.His12Arg (NM_001035511.3, NM_001035512.3, NM_001278172.3 and 2 more transcripts); c.-77A>G (NM_001407119.1); c.-195A>G (NM_001407120.1); c.21-4768A>G (NM_001407116.1, NM_001407121.1, NM_001407117.1); c.20+9203A>G (NM_001035513.3); short protein forms H12R.
Identifiers: ClinVar variation 939377 (VCV000939377.13), dbSNP rs1670923933, ClinGen allele CA343359348.

ClinVar aggregate classification (germline): Uncertain significance. Review status: criteria provided, multiple submitters, no conflicts (2 of 4 stars). 2 submissions from 2 submitters: Uncertain significance (2). Last evaluated 2025-08-25.

Conditions:
Gastrointestinal stromal tumor. Also called: Gastrointestinal stromal tumor, somatic; Gastrointestinal stroma tumor. Identifiers: Orphanet 44890, MedGen C0238198, MeSH D046152, MONDO:0011719, OMIM 606764, HP:0100723.
Pheochromocytoma/paraganglioma syndrome 3. Also called: GLOMUS TUMORS, FAMILIAL, 3; SDHC-Related Hereditary Paraganglioma-Pheochromocytoma Syndrome; Paragangliomas 3; SDHC-Related Hereditary Paraganglioma-Pheochromocytoma Syndrome (Paragangliomas 3). Identifiers: Orphanet 29072, MedGen C1854336, MONDO:0011544, OMIM 605373.

Submissions (2):

Dasa
Classification: Uncertain significance. Last evaluated: 2025-08-25. Review status: criteria provided, single submitter. Criteria: DASA Assertion Criteria. Collection method: clinical testing. Allele origin: germline.
Comment: NM_003001.5(SDHC):c.35A>G (p.His12Arg) is a missense variant that results in the substitution of histidine with arginine. This variant is absent from population databases. Computational prediction algorithms are consistent with a benign effect. The currently available literature and clinical evidence are not sufficient to establish a definitive association between this variant and the reported condition. Therefore, this variant is classified as a variant of uncertain significance.

Labcorp Genetics (formerly Invitae), Labcorp
Classification: Uncertain significance for Pheochromocytoma/paraganglioma syndrome 3; Gastrointestinal stromal tumor. Last evaluated: 2019-09-14. Review status: criteria provided, single submitter. Criteria: Invitae Variant Classification Sherloc (09022015). Collection method: clinical testing. Allele origin: germline.
Comment: In summary, the available evidence is currently insufficient to determine the role of this variant in disease. Therefore, it has been classified as a Variant of Uncertain Significance. Algorithms developed to predict the effect of missense changes on protein structure and function output the following: SIFT: "Tolerated"; PolyPhen-2: "Benign"; Align-GVGD: "Class C0". The arginine amino acid residue is found in multiple mammalian species, suggesting that this missense change does not adversely affect protein function. These predictions have not been confirmed by published functional studies and their clinical significance is uncertain. This variant has not been reported in the literature in individuals with SDHC-related conditions. This variant is not present in population databases (ExAC no frequency). This sequence change replaces histidine with arginine at codon 12 of the SDHC protein (p.His12Arg). The histidine residue is moderately conserved and there is a small physicochemical difference between histidine and arginine.